The following is an entry in ClinVar:

ClinVar aggregate classification (germline): Pathogenic/Likely pathogenic. Review status: criteria provided, multiple submitters, no conflicts (2 of 4 stars). 5 submissions from 5 submitters: Pathogenic (3); Likely pathogenic (2). Last evaluated 2024-12-09.

Conditions:
Usher syndrome type 1F (USH1F). Also called: USHER SYNDROME, TYPE IF. Identifiers: Orphanet 231169, Orphanet 886, MedGen C1865885, MONDO:0011186, OMIM 602083.
PCDH15-related disorder. Also called: PCDH15-related disorders; PCDH15-related condition.

Submissions (5):

GeneDx
Classification: Pathogenic. Last evaluated: 2024-12-09. Review status: criteria provided, single submitter. Criteria: GeneDx Variant Classification Process June 2021. Collection method: clinical testing. Allele origin: germline. Affected: yes.
Comment: Frameshift variant predicted to result in protein truncation or nonsense mediated decay in a gene for which loss of function is a known mechanism of disease; Not observed at significant frequency in large population cohorts (gnomAD); This variant is associated with the following publications: (PMID: 37510321, 35779349)

Labcorp Genetics (formerly Invitae), Labcorp
Classification: Pathogenic. Last evaluated: 2023-04-28. Review status: criteria provided, single submitter. Criteria: Invitae Variant Classification Sherloc (09022015). Collection method: clinical testing. Allele origin: germline.
Comment: For these reasons, this variant has been classified as Pathogenic. ClinVar contains an entry for this variant (Variation ID: 2412658). This variant has not been reported in the literature in individuals affected with PCDH15-related conditions. This variant is present in population databases (rs762129852, gnomAD 0.005%). This sequence change creates a premature translational stop signal (p.Asn1254Lysfs*54) in the PCDH15 gene. It is expected to result in an absent or disrupted protein product. Loss-of-function variants in PCDH15 are known to be pathogenic (PMID: 11398101, 11487575, 14570705).

Broad Center for Mendelian Genomics, Broad Institute of MIT and Harvard
Classification: Pathogenic for Usher syndrome type 1F. Last evaluated: 2023-01-24. Review status: criteria provided, single submitter. Criteria: ACMG Guidelines, 2015. Collection method: curation. Allele origin: germline. Inheritance: Autosomal recessive inheritance.
Comment: The p.Asn1254fs variant in PCDH15 has been reported in 1 individual, in the homozygous state, with Usher syndrome type 1F (PMID: 35779349), and has been identified in 0.005% (6/113622) of European (non-Finnish) chromosomes by the Genome Aggregation Database (gnomAD; dbSNP ID: rs762129852). Although this variant has been seen in the general population in a heterozygous state, its frequency is low enough to be consistent with a recessive carrier frequency. This variant is predicted to cause a frameshift, which alters the protein‚Äôs amino acid sequence beginning at position 1254 and leads to a premature termination codon 54 amino acids downstream. This alteration is then predicted to lead to a truncated or absent protein. Loss of function of the PCDH15 gene is an established disease mechanism in autosomal recessive Usher syndrome type 1F. In summary, this variant meets criteria to be classified as pathogenic for autosomal recessive Usher syndrome type 1F. ACMG/AMP Criteria applied: PVS1, PM2_supporting, PM3_supporting (Richards 2015).

Blueprint Genetics
Classification: Likely pathogenic for PCDH15-related disorders. Last evaluated: 2022-06-13. Review status: criteria provided, single submitter. Criteria: ACMG Guidelines, 2015. Collection method: clinical testing. Allele origin: germline. Affected: yes. Observed: 2 variant alleles.

Clinical Genetics Laboratory, Skane University Hospital Lund
Classification: Likely pathogenic. Last evaluated: 2022-05-27. Review status: criteria provided, single submitter. Criteria: ACMG Guidelines, 2015. Collection method: clinical testing. Allele origin: germline. Affected: yes.

Literature cited by the submitters: PubMed 11398101 (cited by Labcorp Genetics (formerly Invitae), Labcorp); PubMed 11487575 (cited by Labcorp Genetics (formerly Invitae), Labcorp); PubMed 14570705 (cited by Labcorp Genetics (formerly Invitae), Labcorp).

NM_001384140.1(PCDH15):c.3761dup (p.Asn1254fs)

Gene: PCDH15 (protocadherin related 15; minus strand). Cytogenetic location: 10q21.1.
Variant type: Duplication.
Coding change: c.3761dup on transcript NM_001384140.1 (MANE Select); coding-DNA position 3761, one base duplicated (A; older notation c.3761dupA).
Protein change: p.Asn1254fs; shifts the reading frame from asparagine 1254.
Molecular consequence: frameshift variant.
Genome position (GRCh38, 1-based): chr10:53,857,220, T duplicated on the plus strand (A on the coding strand, the reverse complement: PCDH15 is on the minus strand); the first of 2 consecutive T bases (chr10:53,857,220-53,857,221); duplicating either gives the same sequence. VCF-style (leftmost placement, unchanged base first): chr10-53857219-A-AT. GRCh37 (hg19) VCF-style: chr10-55616979-A-AT.
Other names: NM_001384140.1:c.3761dup; c.3776dup, p.Asn1259fs (NM_001142763.2, NM_001142771.2); c.3761dup, p.Asn1254fs (NM_001142764.2, NM_001142766.2, NM_001142770.3 and 4 more transcripts); c.3548dup, p.Asn1183fs (NM_001142765.2); c.3650dup, p.Asn1217fs (NM_001142767.2); c.3695dup, p.Asn1232fs (NM_001142768.2, NM_001142773.2, NM_001354404.2); c.3796dup, p.Asn1266Lysfs (NM_001142769.4); c.3782dup, p.Asn1261fs (NM_001354411.2); short protein forms N1259fs, N1261fs, N1217fs, N1254fs, N1183fs, N1232fs, N1266fs.
Identifiers: ClinVar variation 2412658 (VCV002412658.7), dbSNP rs762129852, ClinGen allele CA5505559.
Genomic context (GRCh38, chr10:53,857,219, plus strand): 5'-AGACAAAATCAATTACTCTGTAAGATCTTCTATCTTTTTTTCCACTAGAGTAGGAGGCAC[A>AT]TTGGAAACAATGACTTGCATATCCAGCTGATTGACCACGGAGACCTGAAAGAAGAAAAAA-3'